The following is an entry in ClinVar:

ClinVar aggregate classification (germline): Likely benign. Review status: criteria provided, multiple submitters, no conflicts (2 of 4 stars). 3 submissions from 3 submitters: Likely benign (2). 1 of the submissions does not count toward it. Last evaluated 2023-10-12.

Conditions:
Hereditary spastic paraplegia 11. Also called: Spastic paraplegia, mental retardation and thin corpus callosum; SPASTIC PARAPLEGIA, AUTOSOMAL RECESSIVE, COMPLICATED, WITH THIN CORPUS CALLOSUM; SPASTIC PARAPLEGIA, AUTOSOMAL RECESSIVE, WITH MENTAL IMPAIRMENT AND THIN CORPUS CALLOSUM; Spastic Paraplegia 11; Nakamura Osame syndrome; Autosomal recessive hereditary spastic paraplegia, mental impairment, and thin corpus callosum. Identifiers: Orphanet 2822, MedGen C1858479, MONDO:0011445, OMIM 604360.
Amyotrophic lateral sclerosis type 5 (ALS5). Also called: AMYOTROPHIC LATERAL SCLEROSIS 5, JUVENILE. Identifiers: Orphanet 300605, MedGen C1865864, MONDO:0011196, OMIM 602099.
Charcot-Marie-Tooth disease axonal type 2X. Also called: CHARCOT-MARIE-TOOTH DISEASE, AXONAL, AUTOSOMAL RECESSIVE, TYPE 2X; CHARCOT-MARIE-TOOTH NEUROPATHY, TYPE 2X. Identifiers: Orphanet 466775, MedGen C5569024, MONDO:0014726, OMIM 616668.
SPG11-related disorder. Also called: SPG11-related condition.

Allele frequency attached by ClinVar (database versions not stated): gnomAD 0.00001; TOPMed 0.00001.
gnomAD v4.1: 6 of 1,613,926 alleles (0.00037%); highest among the groups gnomAD compares: Admixed American, 0.01%; no homozygotes.

Submissions (3):

Labcorp Genetics (formerly Invitae), Labcorp
Classification: Likely benign for Hereditary spastic paraplegia 11. Last evaluated: 2023-10-12. Review status: criteria provided, single submitter. Criteria: Invitae Variant Classification Sherloc (09022015). Collection method: clinical testing. Allele origin: germline.

Fulgent Genetics
Classification: Likely benign for Amyotrophic lateral sclerosis type 5; Hereditary spastic paraplegia 11; Charcot-Marie-Tooth disease axonal type 2X. Last evaluated: 2021-10-26. Review status: criteria provided, single submitter. Criteria: ACMG Guidelines, 2015. Collection method: clinical testing. Allele origin: unknown.

PreventionGenetics, part of Exact Sciences
Classification: Likely benign for SPG11-related condition. Last evaluated: 2019-03-25. Review status: no assertion criteria provided. Collection method: clinical testing. Allele origin: germline. Not counted in ClinVar's aggregate classification.
Comment: This variant is classified as likely benign based on ACMG/AMP sequence variant interpretation guidelines (Richards et al. 2015 PMID: 25741868, with internal and published modifications).

NM_025137.4(SPG11):c.3663C>A (p.Ile1221=)

Gene: SPG11 (SPG11 vesicle trafficking associated, spatacsin; minus strand). Cytogenetic location: 15q21.1.
Variant type: single nucleotide variant.
Coding change: c.3663C>A on transcript NM_025137.4 (MANE Select); coding-DNA position 3663, C replaced by A.
Protein change: p.Ile1221=; no amino-acid change (isoleucine 1221 retained).
Molecular consequence: synonymous variant.
Genome position (GRCh38, 1-based): chr15:44,600,490, G>T on the plus strand (C>A on the coding strand, the complement: SPG11 is on the minus strand). VCF-style: chr15-44600490-G-T. GRCh37 (hg19) VCF-style: chr15-44892688-G-T.
Other names: c.3663C>A (NM_025137.3); c.3663C>A, p.Ile1221= (NM_001160227.2).
Identifiers: ClinVar variation 1623152 (VCV001623152.11), dbSNP rs1388337783, ClinGen allele CA490208265.